The following is an entry in ClinVar:

ClinVar aggregate classification (germline): Conflicting classifications of pathogenicity. Review status: criteria provided, conflicting classifications (1 of 4 stars). 2 submissions from 2 submitters: Uncertain significance (1); Likely benign (1). Last evaluated 2025-10-23.

Conditions:
Kabuki syndrome. Also called: NIIKAWA-KUROKI SYNDROME; Kabuki make-up syndrome. Identifiers: Orphanet 2322, MedGen C0796004, MONDO:0016512.
Kabuki syndrome 1 (KABUK1). Also called: KMT2D-Related Kabuki Syndrome. Identifiers: Orphanet 2322, MedGen CN030661, MONDO:0007843, OMIM 147920.
Choanal atresia-athelia-hypothyroidism-delayed puberty-short stature syndrome (BCAHH). Also called: BRANCHIAL ARCH ABNORMALITIES, CHOANAL ATRESIA, ATHELIA, HEARING LOSS, AND HYPOTHYROIDISM SYNDROME. Identifiers: Orphanet 589856, MedGen C5680310, MONDO:0035651, OMIM 620186.

gnomAD v4.1: 13 of 1,612,682 alleles (0.00081%); highest among the groups gnomAD compares: African/African-American, 0.015%; no homozygotes.

Submissions (2):

Labcorp Genetics (formerly Invitae), Labcorp
Classification: Uncertain significance for Kabuki syndrome. Last evaluated: 2025-10-23. Review status: criteria provided, single submitter. Criteria: Invitae Variant Classification Sherloc (09022015). Collection method: clinical testing. Allele origin: germline.
Comment: This sequence change replaces glutamic acid, which is acidic and polar, with aspartic acid, which is acidic and polar, at codon 4333 of the KMT2D protein (p.Glu4333Asp). This variant is present in population databases (rs767696694, gnomAD 0.02%). This variant has not been reported in the literature in individuals affected with KMT2D-related conditions. ClinVar contains an entry for this variant (Variation ID: 2911786). Invitae Evidence Modeling of protein sequence and biophysical properties (such as structural, functional, and spatial information, amino acid conservation, physicochemical variation, residue mobility, and thermodynamic stability) indicates that this missense variant is not expected to disrupt KMT2D protein function with a negative predictive value of 95%. In summary, the available evidence is currently insufficient to determine the role of this variant in disease. Therefore, it has been classified as a Variant of Uncertain Significance.

Fulgent Genetics
Classification: Likely benign for Kabuki syndrome 1; Choanal atresia-athelia-hypothyroidism-delayed puberty-short stature syndrome. Last evaluated: 2024-04-04. Review status: criteria provided, single submitter. Criteria: ACMG Guidelines, 2015. Collection method: clinical testing. Allele origin: germline.

NM_003482.4(KMT2D):c.12999G>C (p.Glu4333Asp)

Gene: KMT2D (lysine methyltransferase 2D; minus strand). Cytogenetic location: 12q13.12.
Variant type: single nucleotide variant.
Coding change: c.12999G>C on transcript NM_003482.4 (MANE Select); coding-DNA position 12999, G replaced by C.
Protein change: p.Glu4333Asp; replaces glutamic acid 4333 with aspartic acid.
Molecular consequence: missense variant.
Genome position (GRCh38, 1-based): chr12:49,031,706, C>G on the plus strand (G>C on the coding strand, the complement: KMT2D is on the minus strand). VCF-style: chr12-49031706-C-G. GRCh37 (hg19) VCF-style: chr12-49425489-C-G.
Other names: short protein forms E4333D.
Identifiers: ClinVar variation 2911786 (VCV002911786.4), dbSNP rs767696694, ClinGen allele CA6546090.